The following is an entry in ClinVar:

ClinVar aggregate classification (germline): Likely pathogenic (1 of 4 stars; one submission).

Conditions:
Hydrocephalus, nonsyndromic, autosomal recessive 2. Also called: Hydrocephalus, congenital, 2, with or without brain or eye anomalies. Identifiers: Orphanet 2185, MedGen C3554691, MONDO:0014085, OMIM 615219.

Submission:

First Genomix Gene Laboratory, Genetic Diagnostics Department
Classification: Likely pathogenic for Hydrocephalus, nonsyndromic, autosomal recessive 2. Last evaluated: 2025-03-21. Review status: criteria provided, single submitter. Criteria: ACMG Guidelines, 2015. Collection method: clinical testing. Allele origin: germline. Inheritance: Autosomal recessive inheritance. Affected: no. Observed: 1 variant allele.

NM_001378778.1(MPDZ):c.1547-2A>G

Gene: MPDZ (multiple PDZ domain crumbs cell polarity complex component; minus strand). Cytogenetic location: 9p23.
Variant type: single nucleotide variant.
Coding change: c.1547-2A>G on transcript NM_001378778.1 (MANE Select); the canonical splice acceptor site of the intron before coding-DNA position 1547, A replaced by G.
Molecular consequence: splice acceptor variant.
Genome position (GRCh38, 1-based): chr9:13,196,232, T>C on the plus strand (A>G on the coding strand, the complement: MPDZ is on the minus strand). VCF-style: chr9-13196232-T-C. GRCh37 (hg19) VCF-style: chr9-13196231-T-C.
Other names: c.1547-2A>G (NM_001375425.1, NM_001375420.1, NM_001375419.1 and 14 more transcripts).
Identifiers: ClinVar variation 4845788 (VCV004845788.1).